The following is an entry in ClinVar:

ClinVar aggregate classification (germline): Uncertain significance (1 of 4 stars; one submission).

Conditions:
Developmental and epileptic encephalopathy, 30 (DEE30). Also called: Epileptic encephalopathy, early infantile, 30. Identifiers: MedGen C4225360, MONDO:0014595, OMIM 616341.

Submission:

Labcorp Genetics (formerly Invitae), Labcorp
Classification: Uncertain significance for Developmental and epileptic encephalopathy, 30. Last evaluated: 2024-01-14. Review status: criteria provided, single submitter. Criteria: Invitae Variant Classification Sherloc (09022015). Collection method: clinical testing. Allele origin: germline.
Comment: This sequence change falls in intron 3 of the SIK1 gene. It does not directly change the encoded amino acid sequence of the SIK1 protein. It affects a nucleotide within the consensus splice site. This variant is not present in population databases (gnomAD no frequency). This variant has not been reported in the literature in individuals affected with SIK1-related conditions. Variants that disrupt the consensus splice site are a relatively common cause of aberrant splicing (PMID: 17576681, 9536098). Algorithms developed to predict the effect of sequence changes on RNA splicing suggest that this variant is not likely to affect RNA splicing. In summary, the available evidence is currently insufficient to determine the role of this variant in disease. Therefore, it has been classified as a Variant of Uncertain Significance.

Literature cited by the submitters: PubMed 17576681; PubMed 9536098.

NM_173354.5(SIK1):c.273+4A>C

Gene: SIK1 (salt inducible kinase 1; minus strand). Cytogenetic location: 21q22.3.
Variant type: single nucleotide variant.
Coding change: c.273+4A>C on transcript NM_173354.5 (MANE Select); 4 bases into the intron after coding-DNA position 273, A replaced by C.
Molecular consequence: intron variant.
Genome position (GRCh38, 1-based): chr21:43,425,403, T>G on the plus strand (A>C on the coding strand, the complement: SIK1 is on the minus strand). VCF-style: chr21-43425403-T-G. GRCh37 (hg19) VCF-style: chr21-44845283-T-G.
Identifiers: ClinVar variation 2718927 (VCV002718927.3), dbSNP rs2146475925, ClinGen allele CA2697547561.